The following is an entry in ClinVar:

NM_007294.4(BRCA1):c.4934G>T (p.Arg1645Met)

Gene: BRCA1 (BRCA1 DNA repair associated; minus strand). Cytogenetic location: 17q21.31.
Variant type: single nucleotide variant.
Coding change: c.4934G>T on transcript NM_007294.4 (MANE Select); coding-DNA position 4934, G replaced by T.
Protein change: p.Arg1645Met; replaces arginine 1645 with methionine.
Molecular consequence: missense variant. On other transcripts: non-coding transcript variant (1).
Genome position (GRCh38, 1-based): chr17:43,070,980, C>A on the plus strand (G>T on the coding strand, the complement: BRCA1 is on the minus strand). VCF-style: chr17-43070980-C-A. GRCh37 (hg19) VCF-style: chr17-41222997-C-A.
Other names: c.1481G>T, p.Arg494Met (NM_001408467.1, NM_001408458.1, NM_001408459.1 and 7 more transcripts); c.1478G>T, p.Arg493Met (NM_001408468.1, NM_001408469.1, NM_001408470.1); c.1622G>T, p.Arg541Met (NM_001408472.1, NM_001407984.1, NM_001407985.1 and 13 more transcripts); c.1619G>T, p.Arg540Met (NM_001408473.1, NM_001408392.1, NM_001408396.1 and 8 more transcripts); c.1424G>T, p.Arg475Met (NM_001408474.1); c.1421G>T, p.Arg474Met (NM_001408475.1, NM_001408476.1); c.1415G>T, p.Arg472Met (NM_001408478.1, NM_001408479.1, NM_001408480.1); c.4931G>T, p.Arg1644Met (NM_001407610.1, NM_001407611.1, NM_001407612.1 and 17 more transcripts); and 70 more; short protein forms R1645M, R541M, R1598M, R1666M, R1348M, R1349M, R1476M, R1491M.
Identifiers: ClinVar variation 55320 (VCV000055320.16), dbSNP rs70953661, ClinGen allele CA003088.
Genomic context (GRCh38, chr17:43,070,980, plus strand): 5'-ACACTCACAAATTCTTCTGGGGTCAGGCCAGACACCACCATGGACATTCTTTTGTTGACC[C>A]TTTCTGTTGAAGCTGTCAATTCTGGCTTCTCCCTGCTCACACTTTCTTCCATTGCATTAT-3'
Protein context (NP_009225.1, residues 1635-1655): EKPELTASTE[Arg1645Met]VNKRMSMVVS

ClinVar aggregate classification (germline): Uncertain significance. Review status: criteria provided, multiple submitters, no conflicts (2 of 4 stars). 3 submissions from 3 submitters: Uncertain significance (2). 1 of the submissions does not count toward it. Last evaluated 2024-03-20.

Conditions:
Hereditary cancer-predisposing syndrome. Also called: Hereditary Cancer Syndrome; Hereditary neoplastic syndrome; Neoplastic Syndromes, Hereditary; Tumor predisposition. Identifiers: Orphanet 140162, MedGen C0027672, MeSH D009386, MONDO:0015356.
Breast-ovarian cancer, familial, susceptibility to, 1 (BROVCA1). Also called: BRCA1 Hereditary Breast and Ovarian Cancer; OVARIAN CANCER, SUSCEPTIBILITY TO. Identifiers: Orphanet 145, MedGen C2676676, MONDO:0011450, OMIM 604370. Disease mechanism: loss of function.
Hereditary breast ovarian cancer syndrome. Also called: BRCA1- and BRCA2-Associated Hereditary Breast and Ovarian Cancer; Hereditary breast and ovarian cancer syndrome; Hereditary breast and ovarian cancer syndrome (HBOC); Breast and ovarian cancer; Hereditary breast and/or ovarian cancer syndrome; Hereditary breast and ovarian cancer. Identifiers: Orphanet 145, MedGen C0677776, MeSH D061325, MONDO:0003582. Disease mechanism: loss of function.

Submissions (4):

Labcorp Genetics (formerly Invitae), Labcorp
Classification: Uncertain significance for Hereditary breast ovarian cancer syndrome. Last evaluated: 2024-03-20. Review status: criteria provided, single submitter. Criteria: Invitae Variant Classification Sherloc (09022015). Collection method: clinical testing. Allele origin: germline.
Comment: This sequence change replaces arginine, which is basic and polar, with methionine, which is neutral and non-polar, at codon 1645 of the BRCA1 protein (p.Arg1645Met). This variant is not present in population databases (gnomAD no frequency). This variant has not been reported in the literature in individuals affected with BRCA1-related conditions. ClinVar contains an entry for this variant (Variation ID: 55320). Advanced modeling of protein sequence and biophysical properties (such as structural, functional, and spatial information, amino acid conservation, physicochemical variation, residue mobility, and thermodynamic stability) performed at Invitae indicates that this missense variant is not expected to disrupt BRCA1 protein function with a negative predictive value of 95%. In summary, the available evidence is currently insufficient to determine the role of this variant in disease. Therefore, it has been classified as a Variant of Uncertain Significance.

Color Diagnostics, LLC DBA Color Health
Classification: Uncertain significance for Hereditary cancer-predisposing syndrome. Last evaluated: 2023-06-01. Review status: criteria provided, single submitter. Criteria: ACMG Guidelines, 2015. Collection method: clinical testing. Allele origin: germline.
Comment: This missense variant replaces arginine with methionine at codon 1645 of the BRCA1 protein. Computational prediction is inconclusive regarding the impact of this variant on protein structure and function (internally defined REVEL score threshold 0.5 < inconclusive < 0.7, PMID: 27666373). This variant has been reported to be partially functional in a haploid cell proliferation assay (PMID: 30209399). This variant has not been reported in individuals affected with hereditary cancer in the literature. This variant has not been identified in the general population by the Genome Aggregation Database (gnomAD). The available evidence is insufficient to determine the role of this variant in disease conclusively. Therefore, this variant is classified as a Variant of Uncertain Significance.

Breast Cancer Information Core (BIC) (BRCA1)
Classification: Uncertain significance for Breast-ovarian cancer, familial 1. Last evaluated: 1999-06-22. Review status: no assertion criteria provided. Collection method: clinical testing. Allele origin: germline. Affected: yes. Observed: 1 variant allele. Not counted in ClinVar's aggregate classification.

Brotman Baty Institute, University of Washington
No classification provided (evidence only). Condition: Breast-ovarian cancer, familial 1. Review status: no classification provided. Collection method: in vitro. Allele origin: not applicable. Functional consequence: function_uncertain_variant. Not counted in ClinVar's aggregate classification.
ClinVar note: "not provided" was previously submitted as the classification for the variant. However, the classification appeared to be based only on an observation of functional data so it was converted to no classification on 2025-07-30.

Literature cited by the submitters: PubMed 30209399 (cited by Color Diagnostics, LLC DBA Color Health).